The following is an entry in ClinVar:

ClinVar aggregate classification (germline): Uncertain significance. Review status: criteria provided, multiple submitters, no conflicts (2 of 4 stars). 2 submissions from 2 submitters: Uncertain significance (2). Last evaluated 2026-08-24.

Conditions:
Hereditary cancer-predisposing syndrome. Also called: Tumor predisposition; Hereditary Cancer Syndrome; Hereditary neoplastic syndrome; Neoplastic Syndromes, Hereditary. Identifiers: Orphanet 140162, MedGen C0027672, MeSH D009386, MONDO:0015356.
Ataxia-telangiectasia syndrome (AT). Also called: AT, COMPLEMENTATION GROUP C; ATAXIA-TELANGIECTASIA, COMPLEMENTATION GROUP A; ATAXIA-TELANGIECTASIA, FRESNO VARIANT; Ataxia-telangiectasia; Ataxia-telangiectasia, complementation group E; Ataxia telangiectasia (A-T). Identifiers: Orphanet 100, MedGen C0004135, MONDO:0008840, OMIM 208900.

Submissions (2):

Ambry Genetics
Classification: Uncertain significance for Hereditary cancer-predisposing syndrome. Last evaluated: 2026-08-24. Review status: criteria provided, single submitter. Criteria: Ambry Variant Classification Scheme 2023. Collection method: clinical testing. Allele origin: germline.
Comment: The p.Y1216D variant (also known as c.3646T>G), located in coding exon 24 of the ATM gene, results from a T to G substitution at nucleotide position 3646. The tyrosine at codon 1216 is replaced by aspartic acid, an amino acid with highly dissimilar properties. In an assay testing ATM function, this variant showed a functionally normal result (Lee KS et al. Cell, 2025 Sep;188:5081-5099.e27). This amino acid position is highly conserved in available vertebrate species. In addition, this alteration is predicted to be deleterious by in silico analysis. Based on the available evidence, the clinical significance of this variant remains unclear.

Labcorp Genetics (formerly Invitae), Labcorp
Classification: Uncertain significance for Ataxia-telangiectasia syndrome. Last evaluated: 2022-04-08. Review status: criteria provided, single submitter. Criteria: Invitae Variant Classification Sherloc (09022015). Collection method: clinical testing. Allele origin: germline.
Comment: This sequence change replaces tyrosine, which is neutral and polar, with aspartic acid, which is acidic and polar, at codon 1216 of the ATM protein (p.Tyr1216Asp). This variant is not present in population databases (gnomAD no frequency). This variant has not been reported in the literature in individuals affected with ATM-related conditions. Advanced modeling of protein sequence and biophysical properties (such as structural, functional, and spatial information, amino acid conservation, physicochemical variation, residue mobility, and thermodynamic stability) performed at Invitae indicates that this missense variant is not expected to disrupt ATM protein function. In summary, the available evidence is currently insufficient to determine the role of this variant in disease. Therefore, it has been classified as a Variant of Uncertain Significance.

Literature cited by the submitters: PubMed 40580951 (cited by Ambry Genetics).

NM_000051.4(ATM):c.3646T>G (p.Tyr1216Asp)

Gene: ATM (ATM serine/threonine kinase; plus strand). Cytogenetic location: 11q22.3.
Variant type: single nucleotide variant.
Coding change: c.3646T>G on transcript NM_000051.4 (MANE Select); coding-DNA position 3646, T replaced by G.
Protein change: p.Tyr1216Asp; replaces tyrosine 1216 with aspartic acid.
Molecular consequence: missense variant.
Genome position (GRCh38, 1-based): chr11:108,282,779, T>G. VCF-style: chr11-108282779-T-G. GRCh37 (hg19) VCF-style: chr11-108153506-T-G.
Other names: c.3646T>G, p.Tyr1216Asp (NM_001351834.2); short protein forms Y1216D.
Identifiers: ClinVar variation 2092448 (VCV002092448.2), dbSNP rs2546879545, ClinGen allele CA382522952.